The following is an entry in ClinVar:

ClinVar aggregate classification (germline): Conflicting classifications of pathogenicity. Review status: criteria provided, conflicting classifications (1 of 4 stars). 9 submissions from 9 submitters: Uncertain significance (7); Likely benign (1). 1 of the submissions does not count toward it. Last evaluated 2026-04-23.

Conditions:
Inborn genetic diseases. Identifiers: MedGen C0950123, MeSH D030342.
Late-infantile neuronal ceroid lipofuscinosis. Also called: Jansky-Bielschowsky disease. Identifiers: MedGen C0022340, MONDO:0015674.
Macular dystrophy with central cone involvement (CCMD). Identifiers: MedGen C4015371, MONDO:0014515, OMIM 616170.
Neuronal ceroid lipofuscinosis 7 (CLN7). Also called: MFSD8-Related Neuronal Ceroid-Lipofuscinosis. Identifiers: Orphanet 168491, Orphanet 228366, MedGen C1838571, MONDO:0012588, OMIM 610951.

Allele frequency attached by ClinVar (database versions not stated): ESP Exome Variant Server 0.00015; ExAC 0.00022; gnomAD exomes 0.00029; gnomAD 0.00030 and 0.00031; TOPMed 0.00039; 1000 Genomes Project 30x 0.00062; 1000 Genomes Project 0.00080.
gnomAD v4.1: 474 of 1,614,166 alleles (0.029%); highest among the groups gnomAD compares: Admixed American, 0.052%; 1 homozygote.

Submissions (9):

Ambry Genetics
Classification: Uncertain significance for Inborn genetic diseases. Last evaluated: 2026-04-23. Review status: criteria provided, single submitter. Criteria: Ambry Variant Classification Scheme 2023. Collection method: clinical testing. Allele origin: germline.
Comment: The c.1136T>C (p.F379S) alteration is located in exon 12 (coding exon 11) of the MFSD8 gene. This alteration results from a T to C substitution at nucleotide position 1136, causing the phenylalanine (F) at amino acid position 379 to be replaced by a serine (S). Based on data from gnomAD, the C allele has an overall frequency of 0.029% (83/282670) total alleles studied. The highest observed frequency was 0.056% (4/7210) of Other alleles. Based on insufficient or conflicting evidence, the clinical significance of this alteration remains unclear.

GeneDx
Classification: Uncertain significance. Last evaluated: 2025-06-25. Review status: criteria provided, single submitter. Criteria: GeneDx Variant Classification Process June 2021. Collection method: clinical testing. Allele origin: germline. Affected: yes.
Comment: Variant identified in at least one individual with frontotemporal lobar degeneration with functional studies suggesting variant may affect MFSD8 function by altering its intracellular trafficking (PMID: 30382371); In silico analysis suggests that this missense variant does not alter protein structure/function; This variant is associated with the following publications: (PMID: 30382371)

Blueprint Genetics
Classification: Likely benign. Last evaluated: 2024-11-25. Review status: criteria provided, single submitter. Criteria: ACMG Guidelines, 2015. Collection method: clinical testing. Allele origin: germline.

Women's Health and Genetics/Laboratory Corporation of America, LabCorp
Classification: Uncertain significance. Last evaluated: 2023-02-17. Review status: criteria provided, single submitter. Criteria: LabCorp Variant Classification Summary - May 2015. Collection method: clinical testing. Allele origin: germline.
Comment: Variant summary: MFSD8 c.1136T>C (p.Phe379Ser) results in a non-conservative amino acid change located in the major facilitator superfamily domain (IPR020846) of the encoded protein sequence. Four of five in-silico tools predict a benign effect of the variant on protein function. The variant allele was found at a frequency of 0.00029 in 251270 control chromosomes (gnomAD). This frequency is not significantly higher than estimated for a pathogenic variant in MFSD8 causing Neuronal Ceroid-Lipofuscinosis (Batten Disease) (0.00029 vs 0.00094), allowing no conclusion about variant significance. c.1136T>C has been reported in the literature in the heterozygous state in an individual affected with corticobasal degeneration, although it was also found in healthy control individuals (Geier_2019). This report does not provide unequivocal conclusions about association of the variant with Neuronal Ceroid-Lipofuscinosis (Batten Disease). An experimental study found the variant resulted in an increased accumulation of protein at the cell surface versus WT, suggesting it may impact protein function by altering intercellular trafficking, however the clinical implications of this are still unclear (Geier_2019). Seven submitters have provided clinical-significance assessments for this variant to ClinVar after 2014 and all classified the variant as uncertain significance. Based on the evidence outlined above, the variant was classified as uncertain significance.

Labcorp Genetics (formerly Invitae), Labcorp
Classification: Uncertain significance for Neuronal ceroid lipofuscinosis 7. Last evaluated: 2022-10-31. Review status: criteria provided, single submitter. Criteria: Invitae Variant Classification Sherloc (09022015). Collection method: clinical testing. Allele origin: germline.
Comment: This sequence change replaces phenylalanine, which is neutral and non-polar, with serine, which is neutral and polar, at codon 379 of the MFSD8 protein (p.Phe379Ser). This variant is present in population databases (rs191172038, gnomAD 0.05%). This missense change has been observed in individual(s) with cortical basal degeneration (PMID: 30382371). ClinVar contains an entry for this variant (Variation ID: 206161). Algorithms developed to predict the effect of missense changes on protein structure and function output the following: SIFT: "Tolerated"; PolyPhen-2: "Benign"; Align-GVGD: "Class C0". The serine amino acid residue is found in multiple mammalian species, which suggests that this missense change does not adversely affect protein function. Experimental studies have shown that this missense change affects MFSD8 function (PMID: 30382371). In summary, the available evidence is currently insufficient to determine the role of this variant in disease. Therefore, it has been classified as a Variant of Uncertain Significance.

Fulgent Genetics
Classification: Uncertain significance for Neuronal ceroid lipofuscinosis 7; Macular dystrophy with central cone involvement. Last evaluated: 2022-05-25. Review status: criteria provided, single submitter. Criteria: ACMG Guidelines, 2015. Collection method: clinical testing. Allele origin: unknown.

New York Genome Center
Classification: Uncertain significance for Neuronal ceroid lipofuscinosis 7. Last evaluated: 2022-01-07. Review status: criteria provided, single submitter. Criteria: NYGC Assertion Criteria 2020. Collection method: clinical testing. Allele origin: germline. Observed: 1 heterozygote. Study: CSER-NYCKidSeq.

Illumina Laboratory Services, Illumina
Classification: Uncertain significance for Neuronal ceroid lipofuscinosis 7. Last evaluated: 2018-01-13. Review status: criteria provided, single submitter. Criteria: ICSL Variant Classification Criteria 13 December 2019. Collection method: clinical testing. Allele origin: germline.

Natera, Inc.
Classification: Uncertain significance for Late-infantile neuronal ceroid lipofuscinosis. Last evaluated: 2020-01-17. Review status: no assertion criteria provided. Collection method: clinical testing. Allele origin: germline. Not counted in ClinVar's aggregate classification.

Literature cited by the submitters: PubMed 30382371 (cited by Women's Health and Genetics/Laboratory Corporation of America, LabCorp and Labcorp Genetics (formerly Invitae), Labcorp).

NM_001371596.2(MFSD8):c.1136T>C (p.Phe379Ser)

Gene: MFSD8 (major facilitator superfamily domain containing 8; minus strand). Cytogenetic location: 4q28.2.
Variant type: single nucleotide variant.
Coding change: c.1136T>C on transcript NM_001371596.2 (MANE Select); coding-DNA position 1136, T replaced by C.
Protein change: p.Phe379Ser; replaces phenylalanine 379 with serine.
Molecular consequence: missense variant.
Genome position (GRCh38, 1-based): chr4:127,921,738, A>G on the plus strand (T>C on the coding strand, the complement: MFSD8 is on the minus strand). VCF-style: chr4-127921738-A-G. GRCh37 (hg19) VCF-style: chr4-128842893-A-G.
Other names: p.F379S:TTT>TCT; c.935T>C, p.Phe312Ser (NM_001363520.3); c.821T>C, p.Phe274Ser (NM_001363521.3); c.1001T>C, p.Phe334Ser (NM_001371590.2); c.1136T>C, p.Phe379Ser (NM_001371591.2, NM_152778.4); c.1142T>C, p.Phe381Ser (NM_001371592.2); c.1022T>C, p.Phe341Ser (NM_001371593.2); c.989T>C, p.Phe330Ser (NM_001371594.2); and 3 more; short protein forms F379S, F274S, F312S, F285S, F330S, F334S, F341S, F381S.
Identifiers: ClinVar variation 206161 (VCV000206161.24), dbSNP rs191172038, ClinGen allele CA315984.